The following is an entry in ClinVar:

ClinVar aggregate classification (germline): Conflicting classifications of pathogenicity. Review status: criteria provided, conflicting classifications (1 of 4 stars). 3 submissions from 3 submitters: Uncertain significance (2); Likely benign (1). Last evaluated 2025-11-25.

Conditions:
APOC2-related disorder. Also called: APOC2-related condition.
Cardiovascular phenotype. Identifiers: MedGen CN230736.

Allele frequency attached by ClinVar (database versions not stated): gnomAD exomes 0.00018 and 0.00031; 1000 Genomes Project 30x 0.00109; gnomAD 0.00122 and 0.00134; ESP Exome Variant Server 0.00146; TOPMed 0.00147; ExAC 0.00034; 1000 Genomes Project 0.00080.
gnomAD v4.1: 456 of 1,614,058 alleles (0.028%); highest among the groups gnomAD compares: African/African-American, 0.47%; no homozygotes.

Submissions (3):

Labcorp Genetics (formerly Invitae), Labcorp
Classification: Likely benign. Last evaluated: 2025-11-25. Review status: criteria provided, single submitter. Criteria: Invitae Variant Classification Sherloc (09022015). Collection method: clinical testing. Allele origin: germline.

Ambry Genetics
Classification: Uncertain significance for Cardiovascular phenotype. Last evaluated: 2025-07-08. Review status: criteria provided, single submitter. Criteria: Ambry Variant Classification Scheme 2023. Collection method: clinical testing. Allele origin: germline.
Comment: The p.T3I variant (also known as c.8C>T), located in coding exon 1 of the APOC2 gene, results from a C to T substitution at nucleotide position 8. The threonine at codon 3 is replaced by isoleucine, an amino acid with similar properties. This amino acid position is not well conserved in available vertebrate species. In addition, this alteration is predicted to be tolerated by in silico analysis. Based on the available evidence, the clinical significance of this variant remains unclear.

PreventionGenetics, part of Exact Sciences
Classification: Uncertain significance for APOC2-related condition. Last evaluated: 2025-06-09. Review status: criteria provided, single submitter. Criteria: ACMG Guidelines, 2015. Collection method: clinical testing. Allele origin: germline.
Comment: The APOC2 c.8C>T variant is predicted to result in the amino acid substitution p.Thr3Ile. This variant has been reported as increased risk in a cohort study with Hypertriglyceridemia (Table S2, Deshotels et al. 2022. PubMed ID: 36325899). This variant is reported in 0.36% of alleles in individuals of African descent in gnomAD. Although we suspect that this variant may be benign, at this time, the clinical significance of this variant is uncertain due to the absence of conclusive functional and genetic evidence.

Literature cited by the submitters: PubMed 24123366 (cited by Ambry Genetics).

NM_000483.5(APOC2):c.8C>T (p.Thr3Ile)

Genes: APOC2 (apolipoprotein C2; plus strand), APOC4-APOC2 (APOC4-APOC2 readthrough (NMD candidate); plus strand). Cytogenetic location: 19q13.32.
Variant type: single nucleotide variant.
Coding change: c.8C>T on transcript NM_000483.5 (MANE Select); coding-DNA position 8, C replaced by T.
Protein change: p.Thr3Ile; replaces threonine 3 with isoleucine.
Molecular consequence: missense variant. On other transcripts: non-coding transcript variant (1).
Genome position (GRCh38, 1-based): chr19:44,948,486, C>T. VCF-style: chr19-44948486-C-T. GRCh37 (hg19) VCF-style: chr19-45451743-C-T.
Other names: short protein forms T3I.
Identifiers: ClinVar variation 1591835 (VCV001591835.12), dbSNP rs148343756, ClinGen allele CA9506565.